The following is an entry in ClinVar:

ClinVar aggregate classification (germline): Uncertain significance (1 of 4 stars; one submission).

gnomAD v4.1: 2 of 1,612,348 alleles (0.00012%); highest among the groups gnomAD compares: Admixed American, 0.0017%; no homozygotes.

Submission:

Labcorp Genetics (formerly Invitae), Labcorp
Classification: Uncertain significance. Last evaluated: 2025-05-13. Review status: criteria provided, single submitter. Criteria: Invitae Variant Classification Sherloc (09022015). Collection method: clinical testing. Allele origin: germline.
Comment: This sequence change replaces leucine, which is neutral and non-polar, with valine, which is neutral and non-polar, at codon 5570 of the HMCN1 protein (p.Leu5570Val). This variant is present in population databases (rs758716527, gnomAD 0.003%). This variant has not been reported in the literature in individuals affected with HMCN1-related conditions. An algorithm developed to predict the effect of missense changes on protein structure and function (PolyPhen-2) suggests that this variant is likely to be disruptive. In summary, the available evidence is currently insufficient to determine the role of this variant in disease. Therefore, it has been classified as a Variant of Uncertain Significance.

NM_031935.3(HMCN1):c.16708C>G (p.Leu5570Val)

Gene: HMCN1 (hemicentin 1; plus strand). Cytogenetic location: 1q31.1.
Variant type: single nucleotide variant.
Coding change: c.16708C>G on transcript NM_031935.3 (MANE Select); coding-DNA position 16708, C replaced by G.
Protein change: p.Leu5570Val; replaces leucine 5570 with valine.
Molecular consequence: missense variant.
Genome position (GRCh38, 1-based): chr1:186,189,678, C>G. VCF-style: chr1-186189678-C-G. GRCh37 (hg19) VCF-style: chr1-186158810-C-G.
Other names: short protein forms L5570V.
Identifiers: ClinVar variation 4719534 (VCV004719534.1).